The following is an entry in ClinVar:

ClinVar aggregate classification (germline): Conflicting classifications of pathogenicity. Review status: criteria provided, conflicting classifications (1 of 4 stars). 2 submissions from 2 submitters: Uncertain significance (1); Likely benign (1). Last evaluated 2024-09-25.

Conditions:
Hereditary breast ovarian cancer syndrome. Also called: Hereditary breast and/or ovarian cancer syndrome; BRCA1- and BRCA2-Associated Hereditary Breast and Ovarian Cancer; Hereditary breast and ovarian cancer syndrome; Hereditary breast and ovarian cancer; Hereditary breast and ovarian cancer syndrome (HBOC); Breast and ovarian cancer. Identifiers: Orphanet 145, MedGen C0677776, MeSH D061325, MONDO:0003582. Disease mechanism: loss of function.
Hereditary cancer-predisposing syndrome. Also called: Tumor predisposition; Hereditary Cancer Syndrome; Hereditary neoplastic syndrome; Neoplastic Syndromes, Hereditary. Identifiers: Orphanet 140162, MedGen C0027672, MeSH D009386, MONDO:0015356.

Allele frequency attached by ClinVar (database versions not stated): gnomAD exomes below 0.00001.
gnomAD v4.1: 1 of 1,614,132 alleles (0.000062%); highest among the groups gnomAD compares: South Asian, 0.0011%; no homozygotes.

Submissions (3):

Labcorp Genetics (formerly Invitae), Labcorp
Classification: Uncertain significance for Hereditary breast ovarian cancer syndrome. Last evaluated: 2024-09-25. Review status: criteria provided, single submitter. Criteria: Invitae Variant Classification Sherloc (09022015). Collection method: clinical testing. Allele origin: germline.
Comment: This sequence change replaces lysine, which is basic and polar, with arginine, which is basic and polar, at codon 1750 of the BRCA1 protein (p.Lys1750Arg). This variant is not present in population databases (gnomAD no frequency). This variant has not been reported in the literature in individuals affected with BRCA1-related conditions. ClinVar contains an entry for this variant (Variation ID: 867277). Invitae Evidence Modeling incorporating data from in vitro experimental studies (PMID: 30209399) indicates that this missense variant is not expected to disrupt BRCA1 function with a negative predictive value of 95%. In summary, the available evidence is currently insufficient to determine the role of this variant in disease. Therefore, it has been classified as a Variant of Uncertain Significance.

Ambry Genetics
Classification: Likely benign for Hereditary cancer-predisposing syndrome. Last evaluated: 2020-09-01. Review status: criteria provided, single submitter. Criteria: Ambry Variant Classification Scheme 2023. Collection method: clinical testing. Allele origin: germline.

Brotman Baty Institute, University of Washington
No classification provided (evidence only). Condition: Breast-ovarian cancer, familial 1. Review status: no classification provided. Collection method: in vitro. Allele origin: not applicable. Functional consequence: functionally_normal. Not counted in ClinVar's aggregate classification.
ClinVar note: "not provided" was previously submitted as the classification for the variant. However, the classification appeared to be based only on an observation of functional data so it was converted to no classification on 2025-07-30.

Literature cited by the submitters: PubMed 30209399 (cited by Labcorp Genetics (formerly Invitae), Labcorp and Ambry Genetics).

NM_007294.4(BRCA1):c.5249A>G (p.Lys1750Arg)

Gene: BRCA1 (BRCA1 DNA repair associated; minus strand). Cytogenetic location: 17q21.31.
Variant type: single nucleotide variant.
Coding change: c.5249A>G on transcript NM_007294.4 (MANE Select); coding-DNA position 5249, A replaced by G.
Protein change: p.Lys1750Arg; replaces lysine 1750 with arginine.
Molecular consequence: missense variant. On other transcripts: non-coding transcript variant (1).
Genome position (GRCh38, 1-based): chr17:43,057,080, T>C on the plus strand (A>G on the coding strand, the complement: BRCA1 is on the minus strand). VCF-style: chr17-43057080-T-C. GRCh37 (hg19) VCF-style: chr17-41209097-T-C.
Other names: c.1934A>G, p.Lys645Arg (NM_001408392.1, NM_001408396.1, NM_001408473.1 and 8 more transcripts); c.1931A>G, p.Lys644Arg (NM_001408408.1, NM_001408406.1, NM_001408407.1); c.1928A>G, p.Lys643Arg (NM_001408409.1); c.1865A>G, p.Lys622Arg (NM_001408410.1); c.1862A>G, p.Lys621Arg (NM_001408411.1); c.1859A>G, p.Lys620Arg (NM_001408412.1, NM_001408413.1, NM_001408414.1 and 2 more transcripts); c.1817A>G, p.Lys606Arg (NM_001408428.1, NM_001408429.1, NM_001408430.1 and 4 more transcripts); c.1814A>G, p.Lys605Arg (NM_001408432.1, NM_001408433.1, NM_001408434.1 and 10 more transcripts); and 72 more; short protein forms K1750R, K1771R, K646R, K1703R, K1581R, K1621R, K1623R, K1638R.
Identifiers: ClinVar variation 867277 (VCV000867277.8), dbSNP rs2051506626, ClinGen allele CA10591049.
Genomic context (GRCh38, chr17:43,057,080, plus strand): 5'-GATTTTTGTCAACTTGAGGGAGGGAGCTTTACCTTTCTGTCCTGGGATTCTCTTGCTCGC[T>C]TTGGACCTTGGTGGTTTCTTCCATTGACCACATCTCCTCTGACTTCAAAATCATGCTGAA-3'
Protein context (NP_009225.1, residues 1740-1760): VVNGRNHQGP[Lys1750Arg]RARESQDRKI